The following is an entry in ClinVar:

ClinVar aggregate classification (germline): Uncertain significance (1 of 4 stars; one submission).

Submission:

GeneDx
Classification: Uncertain significance. Last evaluated: 2021-11-19. Review status: criteria provided, single submitter. Criteria: GeneDx Variant Classification Process June 2021. Collection method: clinical testing. Allele origin: germline. Affected: yes.
Comment: Has not been previously published as pathogenic or benign to our knowledge; Not observed at significant frequency in large population cohorts (gnomAD); In silico analysis supports that this missense variant does not alter protein structure/function

NM_001039591.3(USP9X):c.5894T>G (p.Leu1965Trp)

Gene: USP9X (ubiquitin specific peptidase 9 X-linked; plus strand). Cytogenetic location: Xp11.4.
Variant type: single nucleotide variant.
Coding change: c.5894T>G on transcript NM_001039591.3 (MANE Select); coding-DNA position 5894, T replaced by G.
Protein change: p.Leu1965Trp; replaces leucine 1965 with tryptophan.
Molecular consequence: missense variant.
Genome position (GRCh38, 1-based): chrX:41,216,461, T>G. VCF-style: chrX-41216461-T-G. GRCh37 (hg19) VCF-style: chrX-41075714-T-G.
Other names: c.5894T>G, p.Leu1965Trp (NM_001039590.3); short protein forms L1965W.
Identifiers: ClinVar variation 1686730 (VCV001686730.2), dbSNP rs2147246164, ClinGen allele CA412794389.